The following is an entry in ClinVar:

ClinVar aggregate classification (germline): Uncertain significance (0 of 4 stars; one submission).

Conditions:
SEMA3F-related disorder. Also called: SEMA3F-related condition.

Allele frequency attached by ClinVar (database versions not stated): TOPMed 0.00001; gnomAD 0.00004; gnomAD exomes 0.00007; ExAC 0.00012.
gnomAD v4.1: 105 of 1,613,690 alleles (0.0065%); highest among the groups gnomAD compares: South Asian, 0.091%; no homozygotes.

Submission:

PreventionGenetics, part of Exact Sciences
Classification: Uncertain significance for SEMA3F-related condition. Last evaluated: 2023-12-15. Review status: no assertion criteria provided. Collection method: clinical testing. Allele origin: germline.
Comment: The SEMA3F c.1765G>A variant is predicted to result in the amino acid substitution p.Val589Ile. To our knowledge, this variant has not been reported in the literature. This variant is reported in 0.098% of alleles in individuals of South Asian descent in gnomAD. Although we suspect that this variant may be benign, at this time, the clinical significance of this variant is uncertain due to the absence of conclusive functional and genetic evidence.

NM_004186.5(SEMA3F):c.1765G>A (p.Val589Ile)

Gene: SEMA3F (semaphorin 3F; plus strand). Cytogenetic location: 3p21.31.
Variant type: single nucleotide variant.
Coding change: c.1765G>A on transcript NM_004186.5 (MANE Select); coding-DNA position 1765, G replaced by A.
Protein change: p.Val589Ile; replaces valine 589 with isoleucine.
Molecular consequence: missense variant.
Genome position (GRCh38, 1-based): chr3:50,186,300, G>A. VCF-style: chr3-50186300-G-A. GRCh37 (hg19) VCF-style: chr3-50223733-G-A.
Other names: c.1468G>A, p.Val490Ile (NM_001318798.2); c.1672G>A, p.Val558Ile (NM_001318800.2); short protein forms V490I, V558I, V589I.
Identifiers: ClinVar variation 3031965 (VCV003031965.2), dbSNP rs752403483, ClinGen allele CA2412223.